The following is an entry in ClinVar:

ClinVar aggregate classification (germline): Uncertain significance (1 of 4 stars; one submission).

Allele frequency attached by ClinVar (database versions not stated): ExAC 0.00001; gnomAD exomes 0.00001.
gnomAD v4.1: 3 of 1,588,954 alleles (0.00019%); highest among the groups gnomAD compares: South Asian, 0.0011%; no homozygotes.

Submission:

Labcorp Genetics (formerly Invitae), Labcorp
Classification: Uncertain significance. Last evaluated: 2025-11-18. Review status: criteria provided, single submitter. Criteria: Invitae Variant Classification Sherloc (09022015). Collection method: clinical testing. Allele origin: germline.
Comment: This sequence change replaces tyrosine, which is neutral and polar, with cysteine, which is neutral and slightly polar, at codon 778 of the TNNI3K protein (p.Tyr778Cys). This variant is present in population databases (rs777518162, gnomAD 0.003%). This variant has not been reported in the literature in individuals affected with TNNI3K-related conditions. ClinVar contains an entry for this variant (Variation ID: 2138142). An algorithm developed to predict the effect of missense changes on protein structure and function outputs the following: PolyPhen-2: "Benign". The cysteine amino acid residue is found in multiple mammalian species, which suggests that this missense change does not adversely affect protein function. In summary, the available evidence is currently insufficient to determine the role of this variant in disease. Therefore, it has been classified as a Variant of Uncertain Significance.

NM_015978.3(TNNI3K):c.2333A>G (p.Tyr778Cys)

Genes: FPGT-TNNI3K (FPGT-TNNI3K readthrough; plus strand), LRRC53 (leucine rich repeat containing 53; minus strand), TNNI3K (TNNI3 interacting kinase; plus strand). Cytogenetic location: 1p31.1.
Variant type: single nucleotide variant.
Coding change: c.2333A>G on transcript NM_015978.3 (MANE Select); coding-DNA position 2333, A replaced by G.
Protein change: p.Tyr778Cys; replaces tyrosine 778 with cysteine.
Molecular consequence: missense variant. On other transcripts: intron variant (2).
Genome position (GRCh38, 1-based): chr1:74,492,248, A>G. VCF-style: chr1-74492248-A-G. GRCh37 (hg19) VCF-style: chr1-74957932-A-G.
Other names: c.2636A>G, p.Tyr879Cys (NM_001112808.3); c.-8-11280T>C (NM_001364666.2); c.-26-8873T>C (NM_001382280.1); short protein forms Y778C, Y879C.
Identifiers: ClinVar variation 2138142 (VCV002138142.4), dbSNP rs777518162, ClinGen allele CA909852.